The following is an entry in ClinVar:

ClinVar aggregate classification (germline): Likely benign (1 of 4 stars; one submission).

Allele frequency attached by ClinVar (database versions not stated): ExAC 0.00095; gnomAD exomes 0.00099 and 0.00218; ESP Exome Variant Server 0.00115; gnomAD 0.00152 and 0.00155; TOPMed 0.00172.
gnomAD v4.1: 3,140 of 1,488,330 alleles (0.21%); highest among the groups gnomAD compares: Non-Finnish European, 0.26%; 4 homozygotes.

Submission:

CeGaT Center for Human Genetics Tuebingen
Classification: Likely benign. Last evaluated: 2026-02-01. Review status: criteria provided, single submitter. Criteria: CeGaT Center For Human Genetics Tuebingen Variant Classification Criteria Version 2. Collection method: clinical testing. Allele origin: germline. Affected: yes. Observed: 3 variant alleles.
Comment: PPP1R21: BP4

NM_001135629.3(PPP1R21):c.1969-6A>G

Gene: PPP1R21 (protein phosphatase 1 regulatory subunit 21; plus strand). Cytogenetic location: 2p16.3.
Variant type: single nucleotide variant.
Coding change: c.1969-6A>G on transcript NM_001135629.3 (MANE Select); 6 bases into the intron before coding-DNA position 1969, A replaced by G.
Molecular consequence: intron variant.
Genome position (GRCh38, 1-based): chr2:48,507,263, A>G. VCF-style: chr2-48507263-A-G. GRCh37 (hg19) VCF-style: chr2-48734402-A-G.
Other names: c.1936-6A>G (NM_152994.5); c.1843-6A>G (NM_001193475.2).
Identifiers: ClinVar variation 1694957 (VCV001694957.31), dbSNP rs200516432, ClinGen allele CA1651515.
Genomic context (GRCh38, chr2:48,507,263, plus strand): 5'-TTTTTTTCTAGAAATGCTTCATCTCACTGGTACTTGTTTATTTATGTGTATTTGTGTTCT[A>G]TTTAGGTTCCAGATGTGGAATCTCGTGAAGACTTAATTAAAAATCACTACATGGCAAGGA-3'